The following is an entry in ClinVar:

NM_020433.5(JPH2):c.791C>G (p.Ala264Gly)

Gene: JPH2 (junctophilin 2; minus strand). Cytogenetic location: 20q13.12.
Variant type: single nucleotide variant.
Coding change: c.791C>G on transcript NM_020433.5 (MANE Select); coding-DNA position 791, C replaced by G.
Protein change: p.Ala264Gly; replaces alanine 264 with glycine.
Molecular consequence: missense variant.
Genome position (GRCh38, 1-based): chr20:44,159,996, G>C on the plus strand (C>G on the coding strand, the complement: JPH2 is on the minus strand). VCF-style: chr20-44159996-G-C. GRCh37 (hg19) VCF-style: chr20-42788636-G-C.
Other names: short protein forms A264G.
Identifiers: ClinVar variation 1761214 (VCV001761214.2), dbSNP rs2515744702, ClinGen allele CA409093662.

ClinVar aggregate classification (germline): Uncertain significance (1 of 4 stars; one submission).

Conditions:
Cardiovascular phenotype. Identifiers: MedGen CN230736.

Submission:

Ambry Genetics
Classification: Uncertain significance for Cardiovascular phenotype. Last evaluated: 2021-11-14. Review status: criteria provided, single submitter. Criteria: Ambry Variant Classification Scheme 2023. Collection method: clinical testing. Allele origin: germline.
Comment: The p.A264G variant (also known as c.791C>G), located in coding exon 2 of the JPH2 gene, results from a C to G substitution at nucleotide position 791. The alanine at codon 264 is replaced by glycine, an amino acid with similar properties. This amino acid position is conserved. In addition, this alteration is predicted to be tolerated by in silico analysis. Since supporting evidence is limited at this time, the clinical significance of this alteration remains unclear.